The following is an entry in ClinVar:

NM_001267550.2(TTN):c.97555dup (p.Thr32519fs)

Genes: TTN (titin; minus strand), TTN-AS1 (TTN antisense RNA 1; plus strand). Cytogenetic location: 2q31.2.
Variant type: Duplication.
Coding change: c.97555dup on transcript NM_001267550.2 (MANE Select); coding-DNA position 97555, one base duplicated (A; older notation c.97555dupA).
Protein change: p.Thr32519fs; shifts the reading frame from threonine 32519.
Molecular consequence: frameshift variant.
Genome position (GRCh38, 1-based): chr2:178,541,522, T duplicated on the plus strand (A on the coding strand, the reverse complement: TTN is on the minus strand). VCF-style (leftmost placement, unchanged base first): chr2-178541521-G-GT. GRCh37 (hg19) VCF-style: chr2-179406248-G-GT.
Other names: c.70360dupA (NM_003319.4); c.92632dup, p.Thr30878fs (NM_001256850.1); c.70360dup, p.Thr23454fs (NM_003319.4); c.89851dup, p.Thr29951fs (NM_133378.4); c.70735dup, p.Thr23579fs (NM_133432.3); c.70936dup, p.Thr23646fs (NM_133437.4); short protein forms T23646fs, T29951fs, T30878fs, T23454fs, T23579fs, T32519fs.
Identifiers: ClinVar variation 2038098 (VCV002038098.5), dbSNP rs1694492790, ClinGen allele CA1310517198.

ClinVar aggregate classification (germline): Likely pathogenic. Review status: criteria provided, multiple submitters, no conflicts (2 of 4 stars). 2 submissions from 2 submitters: Likely pathogenic (2). Last evaluated 2025-12-05.

Conditions:
Cardiovascular phenotype. Identifiers: MedGen CN230736.
Dilated cardiomyopathy 1G (CMD1G). Identifiers: Orphanet 154, MedGen C1858763, MONDO:0011400, OMIM 604145.
Autosomal recessive limb-girdle muscular dystrophy type 2J (LGMDR10). Also called: MUSCULAR DYSTROPHY, LIMB-GIRDLE, AUTOSOMAL RECESSIVE 10; Limb-girdle muscular dystrophy, type 2J. Identifiers: Orphanet 140922, MedGen C1837342, MONDO:0012127, OMIM 608807.

Allele frequency attached by ClinVar (database versions not stated): TOPMed below 0.00001.

Submissions (2):

Ambry Genetics
Classification: Likely pathogenic for Cardiovascular phenotype. Last evaluated: 2025-12-05. Review status: criteria provided, single submitter. Criteria: Ambry Variant Classification Scheme 2023. Collection method: clinical testing. Allele origin: germline.
Comment: The c.70360dupA variant, located in coding exon 177 of the TTN gene, results from a duplication of A at nucleotide position 70360, causing a translational frameshift with a predicted alternate stop codon (p.T23454Nfs*8). This exon is located in the A-band region of the N2-B isoform of the titin protein and is constitutively expressed in TTN transcripts (percent spliced in or PSI 100%). This variant is considered to be rare based on population cohorts in the Genome Aggregation Database (gnomAD). This variant is expected to result in loss of function by premature protein truncation or nonsense-mediated mRNA decay. While truncating variants in TTN are present in 1-3% of the general population, truncating variants in the A-band are the most common cause of dilated cardiomyopathy (Herman DS et al. N. Engl. J. Med., 2012 Feb;366:619-28; Roberts AM et al. Sci Transl Med, 2015 Jan;7:270ra6). TTN truncating variants encoded in constitutive exons (PSI >90%) have been found to be significantly associated with DCM regardless of their position in titin (Schafer S et al. Nat. Genet., 2017 01;49:46-53; Akhtar MM et al. Circ Heart Fail, 2020 Oct;13:e006832; Massier M et al. Clin Genet, 2025 Jan). Based on the majority of available evidence to date, this variant is likely to be pathogenic.

Labcorp Genetics (formerly Invitae), Labcorp
Classification: Likely pathogenic for Dilated cardiomyopathy 1G; Autosomal recessive limb-girdle muscular dystrophy type 2J. Last evaluated: 2021-12-21. Review status: criteria provided, single submitter. Criteria: Invitae Variant Classification Sherloc (09022015). Collection method: clinical testing. Allele origin: germline.
Comment: In summary, the currently available evidence indicates that the variant is pathogenic, but additional data are needed to prove that conclusively. Therefore, this variant has been classified as Likely Pathogenic. This variant is located in the A band of TTN (PMID: 25589632). Truncating variants in this region are significantly overrepresented in patients affected with dilated cardiomyopathy (PMID: 25589632). Truncating variants in this region have also been reported in individuals affected with autosomal recessive centronuclear myopathy (PMID: 23975875). This variant has not been reported in the literature in individuals affected with TTN-related conditions. This variant is not present in population databases (gnomAD no frequency). This sequence change creates a premature translational stop signal (p.Thr32519Asnfs*8) in the TTN gene. While this is not anticipated to result in nonsense mediated decay, it is expected to create a truncated TTN protein.

Literature cited by the submitters: PubMed 25589632 (cited by Labcorp Genetics (formerly Invitae), Labcorp); PubMed 23975875 (cited by Labcorp Genetics (formerly Invitae), Labcorp).